The following is an entry in ClinVar:

NC_012920.1(MT-ND2):m.4674A>G

Gene: MT-ND2 (mitochondrially encoded NADH dehydrogenase 2; plus strand).
Variant type: single nucleotide variant.
Genome position: chrM-4674-A-G.
Identifiers: ClinVar variation 692476 (VCV000692476.1), dbSNP rs1556422884, ClinGen allele CA414775263.

ClinVar aggregate classification (germline): Benign (1 of 4 stars; one submission).

Conditions:
Leigh syndrome (NULS). Also called: Leigh's necrotizing encephalopathy; Leigh's disease; Leigh Syndrome (mtDNA deletion); Leigh Disease; Subacute necrotizing encephalopathy; Necrotizing encephalopathy infantile subacute of Leigh. Identifiers: Orphanet 506, MedGen C2931891, MONDO:0009723, OMIM 256000.

Submission:

Wong Mito Lab, Molecular and Human Genetics, Baylor College of Medicine
Classification: Benign for Leigh syndrome. Last evaluated: 2019-10-17. Review status: criteria provided, single submitter. Criteria: Modified ACMG Guidelines (Unpublished). Collection method: clinical testing. Allele origin: germline.
Comment: The NC_012920.1:m.4674A>G (YP_003024027.1:p.Ile69Val) variant in MTND2 gene is interpretated to be a Benign variant based on the modified ACMG guidelines (unpublished). This variant meets the following evidence codes: BS1, BS2,BP4